The following is an entry in ClinVar:

NM_052947.4(ALPK2):c.1174G>A (p.Gly392Arg)

Genes: ALPK2 (alpha kinase 2; minus strand), LOC114803473 (ALPK2 eExon liver enhancer; plus strand). Cytogenetic location: 18q21.31.
Variant type: single nucleotide variant.
Coding change: c.1174G>A on transcript NM_052947.4 (MANE Select); coding-DNA position 1174, G replaced by A.
Protein change: p.Gly392Arg; replaces glycine 392 with arginine.
Molecular consequence: missense variant.
Genome position (GRCh38, 1-based): chr18:58,579,602, C>T on the plus strand (G>A on the coding strand, the complement: ALPK2 is on the minus strand). VCF-style: chr18-58579602-C-T. GRCh37 (hg19) VCF-style: chr18-56246834-C-T.
Other names: short protein forms G392R.
Identifiers: ClinVar variation 3530273 (VCV003530273.1).

ClinVar aggregate classification (germline): Uncertain significance (1 of 4 stars; one submission).

Submission:

Ambry Genetics
Classification: Uncertain significance. Last evaluated: 2024-11-17. Review status: criteria provided, single submitter. Criteria: Ambry Variant Classification Scheme 2023. Collection method: clinical testing. Allele origin: germline.
Comment: The p.G392R variant (also known as c.1174G>A), located in coding exon 3 of the ALPK2 gene, results from a G to A substitution at nucleotide position 1174. The glycine at codon 392 is replaced by arginine, an amino acid with dissimilar properties. This amino acid position is conserved. In addition, this alteration is predicted to be tolerated by in silico analysis. Based on the available evidence, the clinical significance of this variant remains unclear.